The following is an entry in ClinVar:

NM_002430.3(MN1):c.1620A>G (p.Gln540=)

Gene: MN1 (MN1 proto-oncogene, transcriptional regulator; minus strand). Cytogenetic location: 22q12.1.
Variant type: single nucleotide variant.
Coding change: c.1620A>G on transcript NM_002430.3 (MANE Select); coding-DNA position 1620, A replaced by G.
Protein change: p.Gln540=; no amino-acid change (glutamine 540 retained).
Molecular consequence: synonymous variant.
Genome position (GRCh38, 1-based): chr22:27,798,924, T>C on the plus strand (A>G on the coding strand, the complement: MN1 is on the minus strand). VCF-style: chr22-27798924-T-C. GRCh37 (hg19) VCF-style: chr22-28194912-T-C.
Identifiers: ClinVar variation 2653023 (VCV002653023.24), dbSNP rs867966947, ClinGen allele CA10166366.
Genomic context (GRCh38, chr22:27,798,924, plus strand): 5'-CTGCTTAATCATGAGGGCCGCGTTTTGGCGCTGCTGCTGCTGCTGCTGTTGCTGTTGCTG[T>C]TGCTGCTGCTGCTGCTGCTGTTGCTGCTGCTGCTGCTGCTGCTGCTGCTGTTGCAGGGAC-3'
Protein context (NP_002421.3, residues 530-550): QQQQQQQQQQ[Gln540=]QQQQQQQQQQ

ClinVar aggregate classification (germline): Likely benign (1 of 4 stars; one submission).

Allele frequency attached by ClinVar (database versions not stated): gnomAD exomes 0.00014; gnomAD 0.00054; ExAC 0.00070.
gnomAD v4.1: 276 of 1,519,894 alleles (0.018%); highest among the groups gnomAD compares: African/African-American, 0.22%; no homozygotes.

Submission:

CeGaT Center for Human Genetics Tuebingen
Classification: Likely benign. Last evaluated: 2024-06-01. Review status: criteria provided, single submitter. Criteria: CeGaT Center For Human Genetics Tuebingen Variant Classification Criteria Version 2. Collection method: clinical testing. Allele origin: germline. Affected: yes. Observed: 2 variant alleles.
Comment: MN1: BP4, BP7, BS1